The following is an entry in ClinVar:

ClinVar aggregate classification (germline): Conflicting classifications of pathogenicity. Review status: criteria provided, conflicting classifications (1 of 4 stars). 5 submissions from 5 submitters: Likely pathogenic (3); Uncertain significance (2). Last evaluated 2026-03-02.
ClinVar aggregate classification (somatic clinical impact): Tier I - Strong (1 of 4 stars; one submission).

Conditions:
Basal cell nevus syndrome 1 (BCNS1). Also called: GORLIN-GOLTZ SYNDROME; MULTIPLE BASAL CELL NEVI, ODONTOGENIC KERATOCYSTS, AND SKELETAL ANOMALIES. Identifiers: MedGen CN376810, MONDO:0958174, OMIM 109400.
Hereditary cancer-predisposing syndrome. Also called: Hereditary Cancer Syndrome; Tumor predisposition; Hereditary neoplastic syndrome; Neoplastic Syndromes, Hereditary. Identifiers: Orphanet 140162, MedGen C0027672, MeSH D009386, MONDO:0015356.
Gorlin syndrome. Also called: Nevoid Basal Cell Carcinoma Syndrome; Basal cell nevus syndrome. Identifiers: Orphanet 377, MedGen C0004779, MONDO:0007187.
PTCH1-related disorder. Also called: PTCH1-related disorders; PTCH1-related condition.
Medulloblastoma SHH activated. Identifiers: MedGen C4330671, MONDO:0850197.

Submissions (6):

Ambry Genetics
Classification: Likely pathogenic for Hereditary cancer-predisposing syndrome. Last evaluated: 2026-03-02. Review status: criteria provided, single submitter. Criteria: Ambry Variant Classification Scheme 2023. Collection method: clinical testing. Allele origin: germline.
Comment: The c.654+3A>G intronic variant results from an A to G substitution 3 nucleotides after coding exon 4 in the PTCH1 gene. This nucleotide position is well conserved in available vertebrate species. This variant was reported in individuals with features consistent with PTCH1-related nevoid basal cell carcinoma syndrome (Kato C et al. Fam Cancer. 2017 Jan;16(1):131-138; Ambry internal data; external communication). This variant is considered to be rare based on population cohorts in the Genome Aggregation Database (gnomAD). In silico splice site analysis predicts that this alteration will weaken the native splice donor site. An RNA study reported that this variant results in skipping of exon 4 (Kato C et al. Fam Cancer. 2017 Jan;16(1):131-138). Based on the majority of available evidence to date, this variant is likely to be pathogenic.

3billion
Classification: Uncertain significance for Basal cell nevus syndrome 1. Last evaluated: 2025-04-02. Review status: criteria provided, single submitter. Criteria: ACMG Guidelines, 2015. Collection method: clinical testing. Allele origin: germline. Affected: yes.

PreventionGenetics, part of Exact Sciences
Classification: Likely pathogenic for PTCH1-related condition. Last evaluated: 2025-01-21. Review status: criteria provided, single submitter. Criteria: ACMG Guidelines, 2015. Collection method: clinical testing. Allele origin: germline.
Comment: The PTCH1 c.654+3A>G variant is predicted to interfere with splicing. This variant has been previously reported in an individual with personal and family history of nevoid basal cell carcinoma syndrome, basal cell carcinoma and keratocystic odontogenic tumor (Case G141, Table 2, Kato et al 2017. PubMed ID: 27561271), and it was reported to be de novo in an individual with basal cell nevus syndrome (Elliott et al. 2022. PubMed ID: 35599849). Messenger RNA (mRNA) analysis revealed that this variant leads to the skipping of exon 4 (Kato et al 2017. PubMed ID: 27561271). This variant has not been reported in a large population database (gnomAD), indicating it is rare. This variant is interpreted as likely pathogenic.

Institute for Genomic Medicine (IGM) Clinical Laboratory, Nationwide Children's Hospital
Classification: Tier I - Strong for Medulloblastoma SHH activated. Assertion type: diagnostic. Clinical significance: supports diagnosis. Last evaluated: 2024-02-14. Review status: criteria provided, single submitter. Criteria: AMP/ASCO/CAP Guidelines, 2017. Collection method: clinical testing. Allele origin: somatic. Affected: yes.
Comment: Variant has Tier I (strong) clinical significance as a diagnostic inclusion criterion in medulloblastoma SHH activated, based on the following evidence: 1) Documented in one or more cancer databases (e.g., St. Jude Pecan, COSMIC, CIViC, OncoKB). 2) Appears in one or more well-established professional guidelines (e.g., World Health Organization [WHO]; National Comprehensive Cancer Network [NCCN]) as providing diagnostic, prognostic, or therapeutic information. 3) Information in the literature supports potential biologic effect of variant. 4) Diagnostic for a specific tumor type/classification according to professional guidelines (Evidence Level A).

Institute for Genomic Medicine (IGM) Clinical Laboratory, Nationwide Children's Hospital
Classification: Likely pathogenic for Basal cell nevus syndrome 1. Last evaluated: 2023-03-31. Review status: criteria provided, single submitter. Criteria: ACMG Guidelines, 2015. Collection method: clinical testing. Allele origin: germline.
Comment: Well-established functional studies have demonstrated this variant to have a damaging effect on protein function or splicing (ACMG/AMP: PS3_Moderate; PMIDs:27561271, 31725470). This variant has been reported at an elevated frequency in affected individuals/in multiple affected individuals in the literature (ACMG/AMP: PS4_Supporting; PMIDs:27561271, 31725470). This variant is absent from or present at an exceedingly low frequency in gnomAD, a large-scale control population database (ACMG/AMP: PM2). This variant is predicted to alter protein function or structure, or disrupt splicing by multiple in silico tools (ACMG/AMP: PP3).

Labcorp Genetics (formerly Invitae), Labcorp
Classification: Uncertain significance for Gorlin syndrome. Last evaluated: 2022-12-09. Review status: criteria provided, single submitter. Criteria: Invitae Variant Classification Sherloc (09022015). Collection method: clinical testing. Allele origin: germline.
Comment: This sequence change falls in intron 4 of the PTCH1 gene. It does not directly change the encoded amino acid sequence of the PTCH1 protein. It affects a nucleotide within the consensus splice site. This variant is not present in population databases (gnomAD no frequency). This variant has been observed in individual(s) with clinical features of basal cell nevus syndrome (PMID: 27561271). ClinVar contains an entry for this variant (Variation ID: 428814). Variants that disrupt the consensus splice site are a relatively common cause of aberrant splicing (PMID: 17576681, 9536098). Studies have shown that this variant is associated with altered splicing resulting in unknown protein product impact (PMID: 27561271). In summary, the available evidence is currently insufficient to determine the role of this variant in disease. Therefore, it has been classified as a Variant of Uncertain Significance.

Literature cited by the submitters: PubMed 27561271 (cited by 4 submitters); PubMed 31725470 (cited by Institute for Genomic Medicine (IGM) Clinical Laboratory, Nationwide Children's Hospital); PubMed 17576681 (cited by Labcorp Genetics (formerly Invitae), Labcorp); PubMed 9536098 (cited by Labcorp Genetics (formerly Invitae), Labcorp).

NM_000264.5(PTCH1):c.654+3A>G

Gene: PTCH1 (patched 1; minus strand). Cytogenetic location: 9q22.32.
Variant type: single nucleotide variant.
Coding change: c.654+3A>G on transcript NM_000264.5 (MANE Select); 3 bases into the intron after coding-DNA position 654, A replaced by G.
Molecular consequence: intron variant.
Genome position (GRCh38, 1-based): chr9:95,482,131, T>C on the plus strand (A>G on the coding strand, the complement: PTCH1 is on the minus strand). VCF-style: chr9-95482131-T-C. GRCh37 (hg19) VCF-style: chr9-98244413-T-C.
Other names: c.651+3A>G (NM_001083603.3); c.456+3A>G (NM_001083602.3, NM_001354919.2); c.654+3A>G (NM_001354918.2); c.201+3A>G (NM_001083605.3, NM_001083604.3, NM_001083606.3 and 1 more transcripts).
Identifiers: ClinVar variation 428814 (VCV000428814.11), dbSNP rs1131690966, ClinGen allele CA645369452.